The following is an entry in ClinVar:

NM_025179.4(PLXNA2):c.1774A>G (p.Ile592Val)

Gene: PLXNA2 (plexin A2; minus strand). Cytogenetic location: 1q32.2.
Variant type: single nucleotide variant.
Coding change: c.1774A>G on transcript NM_025179.4 (MANE Select); coding-DNA position 1774, A replaced by G.
Protein change: p.Ile592Val; replaces isoleucine 592 with valine.
Molecular consequence: missense variant.
Genome position (GRCh38, 1-based): chr1:208,096,841, T>C on the plus strand (A>G on the coding strand, the complement: PLXNA2 is on the minus strand). VCF-style: chr1-208096841-T-C. GRCh37 (hg19) VCF-style: chr1-208270186-T-C.
Other names: short protein forms I592V.
Identifiers: ClinVar variation 3358012 (VCV003358012.1).

ClinVar aggregate classification (germline): Uncertain significance (0 of 4 stars; one submission).

Conditions:
PLXNA2-related disorder. Also called: PLXNA2-related condition.

gnomAD v4.1: 5 of 1,614,086 alleles (0.00031%); highest among the groups gnomAD compares: Non-Finnish European, 0.00042%; no homozygotes.

Submission:

PreventionGenetics, part of Exact Sciences
Classification: Uncertain significance for PLXNA2-related condition. Last evaluated: 2024-08-29. Review status: no assertion criteria provided. Collection method: clinical testing. Allele origin: germline.
Comment: The PLXNA2 c.1774A>G variant is predicted to result in the amino acid substitution p.Ile592Val. To our knowledge, this variant has not been reported in the literature. This variant is reported in 0.0035% of alleles in individuals of European (Non-Finnish) descent in gnomAD. At this time, the clinical significance of this variant is uncertain due to the absence of conclusive functional and genetic evidence.